The following is an entry in ClinVar:

ClinVar aggregate classification (germline): Uncertain significance (1 of 4 stars; one submission).

Allele frequency attached by ClinVar (database versions not stated): gnomAD 0.00001; TOPMed 0.00001.
gnomAD v4.1: 9 of 1,519,552 alleles (0.00059%); highest among the groups gnomAD compares: Non-Finnish European, 0.00079%; no homozygotes.

Submission:

Labcorp Genetics (formerly Invitae), Labcorp
Classification: Uncertain significance. Last evaluated: 2026-02-02. Review status: criteria provided, single submitter. Criteria: Invitae Variant Classification Sherloc (09022015). Collection method: clinical testing. Allele origin: germline.
Comment: This sequence change replaces alanine, which is neutral and non-polar, with glycine, which is neutral and non-polar, at codon 764 of the CACNA1B protein (p.Ala764Gly). The frequency data for this variant in the population databases is considered unreliable, as metrics indicate poor data quality at this position in the gnomAD database. This variant has not been reported in the literature in individuals affected with CACNA1B-related conditions. ClinVar contains an entry for this variant (Variation ID: 1919034). An algorithm developed to predict the effect of missense changes on protein structure and function (PolyPhen-2) suggests that this variant is likely to be tolerated. In summary, the available evidence is currently insufficient to determine the role of this variant in disease. Therefore, it has been classified as a Variant of Uncertain Significance.

NM_000718.4(CACNA1B):c.2291C>G (p.Ala764Gly)

Gene: CACNA1B (calcium voltage-gated channel subunit alpha1 B; plus strand). Cytogenetic location: 9q34.3.
Variant type: single nucleotide variant.
Coding change: c.2291C>G on transcript NM_000718.4 (MANE Select); coding-DNA position 2291, C replaced by G.
Protein change: p.Ala764Gly; replaces alanine 764 with glycine.
Molecular consequence: missense variant.
Genome position (GRCh38, 1-based): chr9:138,023,034, C>G. VCF-style: chr9-138023034-C-G. GRCh37 (hg19) VCF-style: chr9-140917486-C-G.
Other names: c.2291C>G, p.Ala764Gly (NM_001243812.2); short protein forms A764G.
Identifiers: ClinVar variation 1919034 (VCV001919034.3), dbSNP rs1209004890, ClinGen allele CA375809080.
Genomic context (GRCh38, chr9:138,023,034, plus strand): 5'-GCAGACGGGGCCGCGCTCACCGCCAGTCTCCCCGCAGCAGGCAGCAGAACTCGGCCAAGG[C>G]GCGCTCGGTGTGGGAGCAGCGGGCCAGCCAGCTACGGCTGCAGAACCTGCGGGCCAGCTG-3'
Protein context (NP_000709.1, residues 754-774): IAARQQNSAK[Ala764Gly]RSVWEQRASQ